The following is an entry in ClinVar:

NC_000023.10:g.(?_44941801)_(44945244_?)del

Gene: KDM6A (lysine demethylase 6A; plus strand). Cytogenetic location: Xp11.3.
Variant type: Deletion.
Identifiers: ClinVar variation 2426671 (VCV002426671.4).

ClinVar aggregate classification (germline): Pathogenic (1 of 4 stars; one submission).

Conditions:
Kabuki syndrome 2 (KABUK2). Also called: KDM6A-Related Kabuki Syndrome. Identifiers: Orphanet 2322, MedGen C3275495, MONDO:0010465, OMIM 300867.

Submission:

Labcorp Genetics (formerly Invitae), Labcorp
Classification: Pathogenic for Kabuki syndrome 2. Last evaluated: 2022-08-23. Review status: criteria provided, single submitter. Criteria: Invitae Variant Classification Sherloc (09022015). Collection method: clinical testing. Allele origin: germline.
Comment: This variant is a gross deletion of the genomic region encompassing exon(s) 21-24 of the KDM6A gene. This deletion is out-of-frame, and is expected to create a premature termination codon and result in an absent or disrupted protein product. Loss-of-function variants in KDM6A are known to be pathogenic (PMID: 23076834, 23913813). This variant has not been reported in the literature in individuals affected with KDM6A-related conditions. For these reasons, this variant has been classified as Pathogenic.

Literature cited by the submitters: PubMed 23076834; PubMed 23913813.